The following is an entry in ClinVar:

NM_001323289.2(CDKL5):c.1612_1613del (p.Thr538fs)

Gene: CDKL5 (cyclin dependent kinase like 5; plus strand). Cytogenetic location: Xp22.13.
Variant type: Microsatellite.
Coding change: c.1612_1613del on transcript NM_001323289.2 (MANE Select); coding-DNA positions 1612 to 1613, 2 bases deleted (AC; older notation c.1612_1613delAC).
Protein change: p.Thr538fs; shifts the reading frame from threonine 538.
Molecular consequence: frameshift variant.
Genome position (GRCh38, 1-based): chrX:18,604,536-18,604,537, AC deleted; deleting any 2 consecutive bases within chrX:18,604,534-18,604,537 gives the same sequence; the c. name uses the placement nearest the transcript's 3' end. VCF-style (leftmost placement, unchanged base first): chrX-18604533-GAC-G. GRCh37 (hg19) VCF-style: chrX-18622653-GAC-G.
Other names: c.1612_1613del, p.Thr538fs (NM_001037343.2, NM_003159.3); short protein forms T538fs.
Identifiers: ClinVar variation 1335976 (VCV001335976.4), dbSNP rs2147160920, ClinGen allele CA2580615397.
Genomic context (GRCh38, chrX:18,604,533, plus strand): 5'-TTCCCATCTAGCTGCTTAGACTTGAATTCTCCCACCAGCCCAACCCCCACCAGACACAGT[GAC>G]ACGAGAACTTTGCTCAGCCCTTCTGGAAGAAATAACCGAAATGAGGGAACGCTGGACTCA-3'

ClinVar aggregate classification (germline): Pathogenic (1 of 4 stars; one submission).

Submission:

Genetic Services Laboratory, University of Chicago
Classification: Pathogenic. Last evaluated: 2018-08-08. Review status: criteria provided, single submitter. Criteria: ACMG Guidelines, 2015. Collection method: clinical testing. Allele origin: germline. Affected: yes.
Comment: DNA sequence analysis of the CDKL5 gene demonstrated a two base pair deletion in exon 12, c.1612_1613del. This pathogenic sequence change results in an amino acid frameshift and creates a premature stop codon 10 amino acids downstream of the mutation, p.Thr538Glufs*11. This pathogenic sequence change is predicted to result in an abnormal transcript, which may be degraded, or may lead to the production of a truncated CDKL5 protein with potentially abnormal function.